The following is an entry in ClinVar:

ClinVar aggregate classification (germline): Pathogenic. Review status: criteria provided, single submitter (1 of 4 stars). 2 submissions from 2 submitters: Pathogenic (1). 1 of the submissions does not count toward it. Last evaluated 2026-05-12.

Conditions:
Bloom syndrome (BLM). Also called: Bloom-Torre-Machacek syndrome. Identifiers: Orphanet 125, MedGen C0005859, MONDO:0008876, OMIM 210900.

Submissions (2):

Myriad Genetics, Inc.
Classification: Pathogenic for Bloom syndrome. Last evaluated: 2026-05-12. Review status: criteria provided, single submitter. Criteria: Myriad Autosomal Dominant, Autosomal Recessive and X-Linked Classification Criteria (2023). Collection method: clinical testing. Allele origin: unknown.
Comment: This variant is considered pathogenic. This variant creates a frameshift predicted to result in premature protein truncation.

Counsyl
Classification: Likely pathogenic for Bloom syndrome. Last evaluated: 2017-11-26. Review status: no assertion criteria provided. Collection method: clinical testing. Allele origin: unknown. Not counted in ClinVar's aggregate classification.

NM_000057.4(BLM):c.1210del (p.Arg404fs)

Gene: BLM (BLM RecQ like helicase; plus strand). Cytogenetic location: 15q26.1.
Variant type: Deletion.
Coding change: c.1210del on transcript NM_000057.4 (MANE Select); coding-DNA position 1210, one base deleted (C; older notation c.1210delC).
Protein change: p.Arg404fs; shifts the reading frame from arginine 404.
Molecular consequence: frameshift variant.
Genome position (GRCh38, 1-based): chr15:90,760,269, C deleted. VCF-style (leftmost placement, unchanged base first): chr15-90760268-GC-G. GRCh37 (hg19) VCF-style: chr15-91303498-GC-G.
Other names: c.1210del, p.Arg404fs (NM_001287246.2, NM_001287247.2); c.85del, p.Arg29fs (NM_001287248.2); short protein forms R29fs, R404fs.
Identifiers: ClinVar variation 555112 (VCV000555112.3), dbSNP rs1555419742, ClinGen allele CA658824610.